The following is an entry in ClinVar:

NM_201384.3(PLEC):c.5405A>G (p.Glu1802Gly)

Gene: PLEC (plectin; minus strand). Cytogenetic location: 8q24.3.
Variant type: single nucleotide variant.
Coding change: c.5405A>G on transcript NM_201384.3 (MANE Select); coding-DNA position 5405, A replaced by G.
Protein change: p.Glu1802Gly; replaces glutamic acid 1802 with glycine.
Molecular consequence: missense variant.
Genome position (GRCh38, 1-based): chr8:143,924,524, T>C on the plus strand (A>G on the coding strand, the complement: PLEC is on the minus strand). VCF-style: chr8-143924524-T-C. GRCh37 (hg19) VCF-style: chr8-144998692-T-C.
Other names: c.5486A>G, p.Glu1829Gly (NM_000445.5); c.5363A>G, p.Glu1788Gly (NM_201378.4); c.5339A>G, p.Glu1780Gly (NM_201379.3); c.5816A>G, p.Glu1939Gly (NM_201380.4); c.5309A>G, p.Glu1770Gly (NM_201381.3); c.5405A>G, p.Glu1802Gly (NM_201382.4); c.5417A>G, p.Glu1806Gly (NM_201383.3); short protein forms E1770G, E1806G, E1802G, E1780G, E1829G, E1788G, E1939G.
Identifiers: ClinVar variation 1461719 (VCV001461719.8), dbSNP rs782521341, ClinGen allele CA4926373.

ClinVar aggregate classification (germline): Uncertain significance (1 of 4 stars; one submission).

Conditions:
Epidermolysis bullosa simplex 5B, with muscular dystrophy (EBS5B). Also called: EPIDERMOLYSIS BULLOSA SIMPLEX AND LIMB-GIRDLE MUSCULAR DYSTROPHY; Epidermolysis bullosa simplex with muscular dystrophy. Identifiers: Orphanet 257, MedGen C2931072, MONDO:0009181, OMIM 226670.
Epidermolysis bullosa simplex, Ogna type (EBS5A). Also called: Pidermolysis bullosa simplex 5A, Ogna type; EPIDERMOLYSIS BULLOSA SIMPLEX 5A, OGNA TYPE. Identifiers: Orphanet 79401, MedGen C0432317, MONDO:0007555, OMIM 131950.
Epidermolysis bullosa simplex with nail dystrophy (EBS5D). Identifiers: MedGen C4225309, MONDO:0014661, OMIM 616487.
Autosomal recessive limb-girdle muscular dystrophy type 2Q (LGMDR17). Also called: MUSCULAR DYSTROPHY, LIMB-GIRDLE, AUTOSOMAL RECESSIVE 17. Identifiers: Orphanet 254361, MedGen C3150989, MONDO:0013390, OMIM 613723.
Epidermolysis bullosa simplex 5C, with pyloric atresia (EBS5C). Also called: PLEC1-Related Epidermolysis Bullosa with Pyloric Atresia; PLEC-Related Epidermolysis Bullosa with Pyloric Atresia; Epidermolysis bullosa simplex with pyloric atresia. Identifiers: Orphanet 158684, MedGen C2677349, MONDO:0012807, OMIM 612138.

Allele frequency attached by ClinVar (database versions not stated): TOPMed below 0.00001; gnomAD exomes 0.00001; gnomAD 0.00003; ExAC 0.00005.
gnomAD v4.1: 8 of 1,540,392 alleles (0.00052%); highest among the groups gnomAD compares: African/African-American, 0.011%; no homozygotes.

Submission:

Labcorp Genetics (formerly Invitae), Labcorp
Classification: Uncertain significance for Autosomal recessive limb-girdle muscular dystrophy type 2Q; Epidermolysis bullosa simplex, Ogna type; Epidermolysis bullosa simplex with nail dystrophy; Epidermolysis bullosa simplex 5C, with pyloric atresia; Epidermolysis bullosa simplex 5B, with muscular dystrophy. Last evaluated: 2021-01-04. Review status: criteria provided, single submitter. Criteria: Invitae Variant Classification Sherloc (09022015). Collection method: clinical testing. Allele origin: germline.
Comment: In summary, the available evidence is currently insufficient to determine the role of this variant in disease. Therefore, it has been classified as a Variant of Uncertain Significance. Algorithms developed to predict the effect of missense changes on protein structure and function are either unavailable or do not agree on the potential impact of this missense change (SIFT: "Deleterious"; PolyPhen-2: "Not Available"; Align-GVGD: "Class C15"). This variant has not been reported in the literature in individuals with PLEC-related conditions. This variant is present in population databases (rs782521341, ExAC 0.1%). This sequence change replaces glutamic acid with glycine at codon 1829 of the PLEC protein (p.Glu1829Gly). The glutamic acid residue is highly conserved and there is a moderate physicochemical difference between glutamic acid and glycine.